The following is an entry in ClinVar:

NM_000138.5(FBN1):c.6113G>T (p.Cys2038Phe)

Gene: FBN1 (fibrillin 1; minus strand). Cytogenetic location: 15q21.1.
Variant type: single nucleotide variant.
Coding change: c.6113G>T on transcript NM_000138.5 (MANE Select); coding-DNA position 6113, G replaced by T.
Protein change: p.Cys2038Phe; replaces cysteine 2038 with phenylalanine.
Molecular consequence: missense variant.
Genome position (GRCh38, 1-based): chr15:48,441,771, C>A on the plus strand (G>T on the coding strand, the complement: FBN1 is on the minus strand). VCF-style: chr15-48441771-C-A. GRCh37 (hg19) VCF-style: chr15-48733968-C-A.
Other names: c.6113G>T, p.Cys2038Phe (NM_001406716.1); short protein forms C2038F.
Identifiers: ClinVar variation 1751692 (VCV001751692.2), dbSNP rs363804, ClinGen allele CA392338201.

ClinVar aggregate classification (germline): Pathogenic (1 of 4 stars; one submission).

Conditions:
Familial thoracic aortic aneurysm and aortic dissection (TAAD). Also called: Thoracic aortic aneurysms and dissections. Identifiers: Orphanet 91387, MedGen C4707243, MONDO:0019625.

Submission:

Ambry Genetics
Classification: Pathogenic for Familial thoracic aortic aneurysm and aortic dissection. Last evaluated: 2021-09-22. Review status: criteria provided, single submitter. Criteria: Ambry Variant Classification Scheme 2023. Collection method: clinical testing. Allele origin: germline.
Comment: The p.C2038F pathogenic mutation (also known as c.6113G>T), located in coding exon 49 of the FBN1 gene, results from a G to T substitution at nucleotide position 6113. The cysteine at codon 2038 is replaced by phenylalanine, an amino acid with highly dissimilar properties. This alteration has been reported in a subject with features of Marfan syndrome (Stheneur C et al. Eur J Hum Genet, 2009 Sep;17:1121-8). In addition, this variant is considered to be rare based on population cohorts in the Genome Aggregation Database (gnomAD). The majority of FBN1 mutations identified to date have involved the substitution or generation of cysteine residues within cbEGF domains (Vollbrandt T et al. J Biol Chem. 2004;279(31):32924-32931). Based on internal structural assessment, this alteration eliminates a structurally critical disulfide bond in the structurally sensitive EGF/cbEGF domain #31. Another alteration, p.C2038Y (c.6113G>A), has also been reported in association with Marfan syndrome (Li J et al. Sci China Life Sci, 2019 Dec;62:1630-1637). Based on the supporting evidence, this alteration is interpreted as a disease-causing mutation.

Literature cited by the submitters: PubMed 19293843.